The following is an entry in ClinVar:

ClinVar aggregate classification (germline): Uncertain significance. Review status: criteria provided, multiple submitters, no conflicts (2 of 4 stars). 2 submissions from 2 submitters: Uncertain significance (2). Last evaluated 2025-11-10.

Conditions:
Familial adenomatous polyposis 1 (FAP1). Also called: FAMILIAL ADENOMATOUS POLYPOSIS 1, ATTENUATED; POLYPOSIS, ADENOMATOUS INTESTINAL. Identifiers: MedGen C2713442, MONDO:0021056, OMIM 175100. Disease mechanism: loss of function.
Hereditary cancer-predisposing syndrome. Also called: Tumor predisposition; Hereditary Cancer Syndrome; Neoplastic Syndromes, Hereditary; Hereditary neoplastic syndrome. Identifiers: Orphanet 140162, MedGen C0027672, MeSH D009386, MONDO:0015356.

Allele frequency attached by ClinVar (database versions not stated): gnomAD exomes below 0.00001; TOPMed 0.00001.
gnomAD v4.1: 1 of 1,612,252 alleles (0.000062%); highest among the groups gnomAD compares: African/African-American, 0.0013%; no homozygotes.

Submissions (2):

Ambry Genetics
Classification: Uncertain significance for Hereditary cancer-predisposing syndrome. Last evaluated: 2025-11-10. Review status: criteria provided, single submitter. Criteria: Ambry Variant Classification Scheme 2023. Collection method: clinical testing. Allele origin: germline.
Comment: The p.S299C variant (also known as c.896C>G), located in coding exon 8 of the APC gene, results from a C to G substitution at nucleotide position 896. The serine at codon 299 is replaced by cysteine, an amino acid with dissimilar properties. This amino acid position is highly conserved in available vertebrate species. In addition, in silico predictors for this gene do not accurately predict pathogenicity. Missense variants in APC are not a common cause of disease (Spier I et al. Genet Med. 2024 Feb;26(2):100992). Based on the available evidence, the clinical significance of this variant remains unclear.

Labcorp Genetics (formerly Invitae), Labcorp
Classification: Uncertain significance for Familial adenomatous polyposis 1. Last evaluated: 2022-06-09. Review status: criteria provided, single submitter. Criteria: Invitae Variant Classification Sherloc (09022015). Collection method: clinical testing. Allele origin: germline.
Comment: This sequence change replaces serine, which is neutral and polar, with cysteine, which is neutral and slightly polar, at codon 299 of the APC protein (p.Ser299Cys). This variant is not present in population databases (gnomAD no frequency). This variant has not been reported in the literature in individuals affected with APC-related conditions. ClinVar contains an entry for this variant (Variation ID: 822856). Algorithms developed to predict the effect of missense changes on protein structure and function are either unavailable or do not agree on the potential impact of this missense change (SIFT: "Deleterious"; PolyPhen-2: "Benign"; Align-GVGD: "Class C25"). In summary, the available evidence is currently insufficient to determine the role of this variant in disease. Therefore, it has been classified as a Variant of Uncertain Significance.

NM_000038.6(APC):c.896C>G (p.Ser299Cys)

Gene: APC (APC regulator of Wnt signaling pathway; plus strand). Cytogenetic location: 5q22.2.
Variant type: single nucleotide variant.
Coding change: c.896C>G on transcript NM_000038.6 (MANE Select); coding-DNA position 896, C replaced by G.
Protein change: p.Ser299Cys; replaces serine 299 with cysteine.
Molecular consequence: missense variant.
Genome position (GRCh38, 1-based): chr5:112,815,556, C>G. VCF-style: chr5-112815556-C-G. GRCh37 (hg19) VCF-style: chr5-112151253-C-G.
Other names: c.896C>G, p.Ser299Cys (NM_001127510.3, NM_001354895.2, NM_001354896.2 and 1 more transcripts); c.842C>G, p.Ser281Cys (NM_001127511.3); c.926C>G, p.Ser309Cys (NM_001354897.2, NM_001354902.2); c.821C>G, p.Ser274Cys (NM_001354898.2, NM_001354904.2); c.812C>G, p.Ser271Cys (NM_001354899.2); c.719C>G, p.Ser240Cys (NM_001354900.2, NM_001354901.2, NM_001354905.2); c.47C>G, p.Ser16Cys (NM_001354906.2); short protein forms S271C, S309C, S16C, S240C, S274C, S281C, S299C.
Identifiers: ClinVar variation 822856 (VCV000822856.12), dbSNP rs1485974418, ClinGen allele CA16023278.